The following is an entry in ClinVar:

ClinVar aggregate classification (germline): Likely benign (0 of 4 stars; one submission).

Conditions:
PADI6-related disorder. Also called: PADI6-related condition.

Allele frequency attached by ClinVar (database versions not stated): gnomAD exomes 0.00013; ExAC 0.00022; ESP Exome Variant Server 0.00033; gnomAD 0.00050; TOPMed 0.00053; 1000 Genomes Project 30x 0.00078; 1000 Genomes Project 0.00080.
gnomAD v4.1: 270 of 1,613,930 alleles (0.017%); highest among the groups gnomAD compares: African/African-American, 0.15%; no homozygotes.

Submission:

PreventionGenetics, part of Exact Sciences
Classification: Likely benign for PADI6-related condition. Last evaluated: 2020-01-08. Review status: no assertion criteria provided. Collection method: clinical testing. Allele origin: germline.
Comment: This variant is classified as likely benign based on ACMG/AMP sequence variant interpretation guidelines (Richards et al. 2015 PMID: 25741868, with internal and published modifications).

NM_207421.4(PADI6):c.651G>A (p.Ser217=)

Genes: PADI6 (peptidyl arginine deiminase 6; plus strand), LOC126805634 (CDK7 strongly-dependent group 2 enhancer GRCh37_chr1:17707761-17708960; plus strand). Cytogenetic location: 1p36.13.
Variant type: single nucleotide variant.
Coding change: c.651G>A on transcript NM_207421.4 (MANE Select); coding-DNA position 651, G replaced by A.
Protein change: p.Ser217=; no amino-acid change (serine 217 retained).
Molecular consequence: synonymous variant.
Genome position (GRCh38, 1-based): chr1:17,382,064, G>A. VCF-style: chr1-17382064-G-A. GRCh37 (hg19) VCF-style: chr1-17708559-G-A.
Identifiers: ClinVar variation 3049097 (VCV003049097.2), dbSNP rs376937636, ClinGen allele CA641433.
Genomic context (GRCh38, chr1:17,382,064, plus strand): 5'-AGGCCCCAGCTGTATCTTAAAGAAATATCGGCTAGTCCTCCATACCTCCAAGGAAGAGTC[G>A]AAGAAGGCGAGAGTCTACTGGCCCCAAAGTGAGTGTTCTTGTGCCAGCTCCAGCTTTGCC-3'
Protein context (NP_997304.3, residues 207-227): RLVLHTSKEE[Ser217=]KKARVYWPQK